The following is an entry in ClinVar:

ClinVar aggregate classification (germline): Uncertain significance. Review status: criteria provided, multiple submitters, no conflicts (2 of 4 stars). 6 submissions from 6 submitters: Uncertain significance (4). 2 of the submissions do not count toward it. Last evaluated 2025-09-02.

Conditions:
Autosomal recessive nonsyndromic hearing loss 18A. Also called: DEAFNESS, AUTOSOMAL RECESSIVE 18; Deafness, autosomal recessive 18A. Identifiers: Orphanet 90636, MedGen C1865870, MONDO:0011192, OMIM 602092.
Usher syndrome type 1 (USH1). Also called: RETINITIS PIGMENTOSA AND CONGENITAL DEAFNESS. Identifiers: Orphanet 231169, Orphanet 886, MedGen C1568247, MONDO:0010168, OMIM 276900.
Usher syndrome type 1C. Also called: USHER SYNDROME, TYPE I, ACADIAN VARIETY. Identifiers: Orphanet 231169, Orphanet 886, MedGen C1848604, MONDO:0010171, OMIM 276904.

Allele frequency attached by ClinVar (database versions not stated): gnomAD exomes 0.00005 and 0.00004; ExAC 0.00006; gnomAD 0.00006; ESP Exome Variant Server 0.00015; 1000 Genomes Project 30x 0.00016; TOPMed 0.00004.
gnomAD v4.1: 77 of 1,613,694 alleles (0.0048%); highest among the groups gnomAD compares: African/African-American, 0.0067%; no homozygotes.

Submissions (6):

Labcorp Genetics (formerly Invitae), Labcorp
Classification: Uncertain significance. Last evaluated: 2025-09-02. Review status: criteria provided, single submitter. Criteria: Invitae Variant Classification Sherloc (09022015). Collection method: clinical testing. Allele origin: germline.
Comment: This sequence change replaces arginine, which is basic and polar, with glutamine, which is neutral and polar, at codon 431 of the USH1C protein (p.Arg431Gln). This variant is present in population databases (rs371626423, gnomAD 0.01%). This variant has not been reported in the literature in individuals affected with USH1C-related conditions. ClinVar contains an entry for this variant (Variation ID: 229602). An algorithm developed to predict the effect of missense changes on protein structure and function (PolyPhen-2) suggests that this variant is likely to be tolerated. In summary, the available evidence is currently insufficient to determine the role of this variant in disease. Therefore, it has been classified as a Variant of Uncertain Significance.

Fulgent Genetics
Classification: Uncertain significance for Usher syndrome type 1; Usher syndrome type 1C; Autosomal recessive nonsyndromic hearing loss 18A. Last evaluated: 2021-08-26. Review status: criteria provided, single submitter. Criteria: ACMG Guidelines, 2015. Collection method: clinical testing. Allele origin: unknown.

Blueprint Genetics
Classification: Uncertain significance. Last evaluated: 2020-12-01. Review status: criteria provided, single submitter. Criteria: ACMG Guidelines, 2015. Collection method: clinical testing. Allele origin: germline.

Laboratory for Molecular Medicine, Mass General Brigham Personalized Medicine
Classification: Uncertain significance. Last evaluated: 2015-05-17. Review status: criteria provided, single submitter. Criteria: LMM Criteria. Collection method: clinical testing. Allele origin: germline. Observed: 1 variant allele.
Comment: Variant classified as Uncertain Significance - Favor Benign. The p.Arg731Gln var iant in USH1C has not been previously reported in individuals with hearing loss, but it has been identified in 7/66508 European chromosomes by the Exome Aggrega tion Consortium (ExAC; dbSNP rs371626423). Argin ine (Arg) at position 731 is conserved in mammals but not in evolutionarily dist ant species, with >10 reptiles and fish species having glutamine (Gln) at this p osition, suggesting that this variant may be tolerated. Additional computational prediction tools suggest that this variant may not impact the protein, though t his information is not predictive enough to rule out pathogenicity. In summary, while the clinical significance of the p.Arg731Gln variant is uncertain, the con servation and computational data suggests that it is more likely to be benign.

Natera, Inc.
Classification: Uncertain significance for Usher syndrome type 1C. Last evaluated: 2020-09-16. Review status: no assertion criteria provided. Collection method: clinical testing. Allele origin: germline. Not counted in ClinVar's aggregate classification.

Counsyl
Classification: Uncertain significance for Usher syndrome type 1C; Autosomal recessive nonsyndromic hearing loss 18A. Last evaluated: 2017-02-24. Review status: no assertion criteria provided. Collection method: clinical testing. Allele origin: unknown. Not counted in ClinVar's aggregate classification.

Literature cited by the submitters: PubMed 21569298 (cited by Counsyl).

NM_153676.4(USH1C):c.2192G>A (p.Arg731Gln)

Gene: USH1C (USH1 protein network component harmonin; minus strand). Cytogenetic location: 11p15.1.
Variant type: single nucleotide variant.
Coding change: c.2192G>A on transcript NM_153676.4 (MANE Select); coding-DNA position 2192, G replaced by A.
Protein change: p.Arg731Gln; replaces arginine 731 with glutamine.
Molecular consequence: missense variant. On other transcripts: non-coding transcript variant (1).
Genome position (GRCh38, 1-based): chr11:17,501,973, C>T on the plus strand (G>A on the coding strand, the complement: USH1C is on the minus strand). VCF-style: chr11-17501973-C-T. GRCh37 (hg19) VCF-style: chr11-17523520-C-T.
Other names: c.1235G>A, p.Arg412Gln (NM_001297764.2); c.1292G>A, p.Arg431Gln (NM_005709.4); short protein forms R431Q, R731Q, R412Q.
Identifiers: ClinVar variation 229602 (VCV000229602.13), dbSNP rs371626423, ClinGen allele CA5904301.